The following is an entry in ClinVar:

NM_014317.5(PDSS1):c.129+233C>T

Gene: PDSS1 (decaprenyl diphosphate synthase subunit 1; plus strand). Cytogenetic location: 10p12.1.
Variant type: single nucleotide variant.
Coding change: c.129+233C>T on transcript NM_014317.5 (MANE Select); 233 bases into the intron after coding-DNA position 129, C replaced by T.
Molecular consequence: intron variant.
Genome position (GRCh38, 1-based): chr10:26,698,073, C>T. VCF-style: chr10-26698073-C-T. GRCh37 (hg19) VCF-style: chr10-26987002-C-T.
Other names: c.-465+233C>T (NM_001321979.2); c.129+233C>T (NM_001321978.2).
Identifiers: ClinVar variation 673229 (VCV000673229.1), dbSNP rs116519932, ClinGen allele CA13305311.

ClinVar aggregate classification (germline): Benign (1 of 4 stars; one submission).

Allele frequency attached by ClinVar (database versions not stated): gnomAD 0.03443 and 0.03701; TOPMed 0.03640; 1000 Genomes Project 0.03794; 1000 Genomes Project 30x 0.03998.
gnomAD v4.1: 5,164 of 151,486 alleles (3.4%); highest among the groups gnomAD compares: African/African-American, 11%; 255 homozygotes.

Submission:

GeneDx
Classification: Benign. Last evaluated: 2018-06-14. Review status: criteria provided, single submitter. Criteria: GeneDx Variant Classification (06012015). Collection method: clinical testing. Allele origin: germline. Affected: yes.
Comment: This variant is considered likely benign or benign based on one or more of the following criteria: it is a conservative change, it occurs at a poorly conserved position in the protein, it is predicted to be benign by multiple in silico algorithms, and/or has population frequency not consistent with disease.